The following is an entry in ClinVar:

ClinVar aggregate classification (germline): Benign/Likely benign. Review status: criteria provided, multiple submitters, no conflicts (2 of 4 stars). 5 submissions from 5 submitters: Benign (1); Likely benign (4). Last evaluated 2025-08-31.

Conditions:
Cardiac arrhythmia. Also called: Cardiac rhythm disease; Arrhythmia. Identifiers: MedGen C0003811, MONDO:0007263, HP:0011675.
Long QT syndrome (LQTS). Identifiers: MedGen C0023976, MeSH D008133, MONDO:0002442. Disease mechanism: loss of function. Inheritance: Various modes of inheritance.
Cardiovascular phenotype. Identifiers: MedGen CN230736.

Allele frequency attached by ClinVar (database versions not stated): ExAC 0.00001; gnomAD 0.00001; gnomAD exomes 0.00001; TOPMed 0.00001.
gnomAD v4.1: 18 of 1,612,518 alleles (0.0011%); highest among the groups gnomAD compares: East Asian, 0.0022%; no homozygotes.

Submissions (5):

Labcorp Genetics (formerly Invitae), Labcorp
Classification: Likely benign for Long QT syndrome. Last evaluated: 2025-08-31. Review status: criteria provided, single submitter. Criteria: Invitae Variant Classification Sherloc (09022015). Collection method: clinical testing. Allele origin: germline.

Color Diagnostics, LLC DBA Color Health
Classification: Likely benign for Cardiac arrhythmia. Last evaluated: 2022-11-07. Review status: criteria provided, single submitter. Criteria: ACMG Guidelines, 2015. Collection method: clinical testing. Allele origin: germline.

Blueprint Genetics
Classification: Likely benign. Last evaluated: 2022-04-18. Review status: criteria provided, single submitter. Criteria: ACMG Guidelines, 2015. Collection method: clinical testing. Allele origin: germline.

Ambry Genetics
Classification: Likely benign for Cardiovascular phenotype. Last evaluated: 2015-10-06. Review status: criteria provided, single submitter. Criteria: Ambry Variant Classification Scheme 2023. Collection method: clinical testing. Allele origin: germline.

GeneDx
Classification: Benign. Last evaluated: 2015-04-27. Review status: criteria provided, single submitter. Criteria: GeneDx Variant Classification (06012015). Collection method: clinical testing. Allele origin: germline. Affected: yes.
Comment: This variant is considered likely benign or benign based on one or more of the following criteria: it is a conservative change, it occurs at a poorly conserved position in the protein, it is predicted to be benign by multiple in silico algorithms, and/or has population frequency not consistent with disease.

NM_000218.3(KCNQ1):c.552C>T (p.Tyr184=)

Gene: KCNQ1 (potassium voltage-gated channel subfamily Q member 1; plus strand). Cytogenetic location: 11p15.5.
Variant type: single nucleotide variant.
Coding change: c.552C>T on transcript NM_000218.3 (MANE Select); coding-DNA position 552, C replaced by T.
Protein change: p.Tyr184=; no amino-acid change (tyrosine 184 retained).
Molecular consequence: synonymous variant. On other transcripts: intron variant (1).
Genome position (GRCh38, 1-based): chr11:2,570,702, C>T. VCF-style: chr11-2570702-C-T. GRCh37 (hg19) VCF-style: chr11-2591932-C-T.
Other names: c.552C>T, p.Tyr184= (NM_001406836.1); c.282C>T, p.Tyr94= (NM_001406837.1); c.171C>T, p.Tyr57= (NM_181798.2); c.478-12733C>T (NM_001406838.1).
Identifiers: ClinVar variation 379632 (VCV000379632.21), dbSNP rs780231722, ClinGen allele CA038315.